The following is an entry in ClinVar:

ClinVar aggregate classification (germline): Conflicting classifications of pathogenicity. Review status: criteria provided, conflicting classifications (1 of 4 stars). 2 submissions from 2 submitters: Uncertain significance (1); Likely benign (1). Last evaluated 2025-02-16.

Conditions:
Cardiovascular phenotype. Identifiers: MedGen CN230736.

Allele frequency attached by ClinVar (database versions not stated): TOPMed below 0.00001; ExAC 0.00001; gnomAD 0.00001; gnomAD exomes 0.00001.
gnomAD v4.1: 5 of 1,613,198 alleles (0.00031%); highest among the groups gnomAD compares: Non-Finnish European, 0.00042%; no homozygotes.

Submissions (2):

Laboratory of Genetics, Children's Clinical University Hospital Latvia
Classification: Likely benign. Last evaluated: 2025-02-16. Review status: criteria provided, single submitter. Criteria: ACMG Guidelines, 2015. Collection method: clinical testing. Allele origin: germline. Affected: yes.

Ambry Genetics
Classification: Uncertain significance for Cardiovascular phenotype. Last evaluated: 2023-06-29. Review status: criteria provided, single submitter. Criteria: Ambry Variant Classification Scheme 2023. Collection method: clinical testing. Allele origin: germline.
Comment: The p.T588A variant (also known as c.1762A>G), located in coding exon 6 of the KCND3 gene, results from an A to G substitution at nucleotide position 1762. The threonine at codon 588 is replaced by alanine, an amino acid with similar properties. This amino acid position is conserved. In addition, this alteration is predicted to be tolerated by in silico analysis. Since supporting evidence is limited at this time, the clinical significance of this alteration remains unclear.

NM_001378969.1(KCND3):c.1762A>G (p.Thr588Ala)

Gene: KCND3 (potassium voltage-gated channel subfamily D member 3; minus strand). Cytogenetic location: 1p13.2.
Variant type: single nucleotide variant.
Coding change: c.1762A>G on transcript NM_001378969.1 (MANE Select); coding-DNA position 1762, A replaced by G.
Protein change: p.Thr588Ala; replaces threonine 588 with alanine.
Molecular consequence: missense variant.
Genome position (GRCh38, 1-based): chr1:111,777,030, T>C on the plus strand (A>G on the coding strand, the complement: KCND3 is on the minus strand). VCF-style: chr1-111777030-T-C. GRCh37 (hg19) VCF-style: chr1-112319652-T-C.
Other names: c.1705A>G, p.Thr569Ala (NM_001378970.1, NM_172198.3); c.1762A>G, p.Thr588Ala (NM_004980.5); short protein forms T569A, T588A.
Identifiers: ClinVar variation 2625192 (VCV002625192.3), dbSNP rs545602928, ClinGen allele CA1007360.